The following is an entry in ClinVar:

ClinVar aggregate classification (germline): Uncertain significance (1 of 4 stars; one submission).

Conditions:
Long QT syndrome (LQTS). Identifiers: MedGen C0023976, MeSH D008133, MONDO:0002442. Disease mechanism: loss of function. Inheritance: Various modes of inheritance.

Submission:

Labcorp Genetics (formerly Invitae), Labcorp
Classification: Uncertain significance for Long QT syndrome. Last evaluated: 2025-11-20. Review status: criteria provided, single submitter. Criteria: Invitae Variant Classification Sherloc (09022015). Collection method: clinical testing. Allele origin: germline.
Comment: This sequence change replaces methionine, which is neutral and non-polar, with leucine, which is neutral and non-polar, at codon 1557 of the CACNA1C protein (p.Met1557Leu). This variant is not present in population databases (gnomAD no frequency). This variant has not been reported in the literature in individuals affected with CACNA1C-related conditions. Invitae Evidence Modeling of protein sequence and biophysical properties (such as structural, functional, and spatial information, amino acid conservation, physicochemical variation, residue mobility, and thermodynamic stability) has been performed for this missense variant. However, the output from this modeling did not meet the statistical confidence thresholds required to predict the impact of this variant on CACNA1C protein function. In summary, the available evidence is currently insufficient to determine the role of this variant in disease. Therefore, it has been classified as a Variant of Uncertain Significance.

NM_000719.7(CACNA1C):c.4669A>T (p.Met1557Leu)

Genes: CACNA1C (calcium voltage-gated channel subunit alpha1 C; plus strand), CACNA1C-AS2 (CACNA1C antisense RNA 2; minus strand). Cytogenetic location: 12p13.33.
Variant type: single nucleotide variant.
Coding change: c.4669A>T on transcript NM_000719.7 (MANE Select); coding-DNA position 4669, A replaced by T.
Protein change: p.Met1557Leu; replaces methionine 1557 with leucine.
Molecular consequence: missense variant. On other transcripts: non-coding transcript variant (1).
Genome position (GRCh38, 1-based): chr12:2,668,978, A>T. VCF-style: chr12-2668978-A-T. GRCh37 (hg19) VCF-style: chr12-2778144-A-T.
Other names: c.4813A>T, p.Met1605Leu (NM_001129827.2, NM_199460.4); c.4735A>T, p.Met1579Leu (NM_001129829.2); c.4669A>T, p.Met1557Leu (NM_001129830.3, NM_001129833.2, NM_001129834.2 and 7 more transcripts); c.4753A>T, p.Met1585Leu (NM_001129831.2); c.4729A>T, p.Met1577Leu (NM_001129832.2); c.4720A>T, p.Met1574Leu (NM_001129836.2); c.4636A>T, p.Met1546Leu (NM_001129837.2, NM_001129838.2, NM_001129846.2 and 1 more transcripts); c.4630A>T, p.Met1544Leu (NM_001129839.2); and 1 more; short protein forms M1544L, M1574L, M1579L, M1585L, M1605L, M1554L, M1557L, M1577L.
Identifiers: ClinVar variation 4745788 (VCV004745788.1).